The following is an entry in ClinVar:

NM_005559.4(LAMA1):c.236G>A (p.Arg79His)

Gene: LAMA1 (laminin subunit alpha 1; minus strand). Cytogenetic location: 18p11.31.
Variant type: single nucleotide variant.
Coding change: c.236G>A on transcript NM_005559.4 (MANE Select); coding-DNA position 236, G replaced by A.
Protein change: p.Arg79His; replaces arginine 79 with histidine.
Molecular consequence: missense variant.
Genome position (GRCh38, 1-based): chr18:7,080,084, C>T on the plus strand (G>A on the coding strand, the complement: LAMA1 is on the minus strand). VCF-style: chr18-7080084-C-T. GRCh37 (hg19) VCF-style: chr18-7080083-C-T.
Other names: short protein forms R79H.
Identifiers: ClinVar variation 1376035 (VCV001376035.6), dbSNP rs1387905998, ClinGen allele CA401848783.
Genomic context (GRCh38, chr18:7,080,084, plus strand): 5'-TGAATGCTGGGACTTTGCCACCAGTTATTGGTGCCATCTATGGCATGTGATATTGGATGG[C>T]GTTCTGTTGAAAGAAAATAAAAAACATGAATTCCTCTCGGCTGTTGCTTTAAATTTCTTA-3'
Protein context (NP_005550.2, residues 69-89): CDGNSANPRE[Arg79His]HPISHAIDGT

ClinVar aggregate classification (germline): Uncertain significance (1 of 4 stars; one submission).

Allele frequency attached by ClinVar (database versions not stated): TOPMed 0.00001; gnomAD 0.00003.
gnomAD v4.1: 12 of 1,611,226 alleles (0.00074%); highest among the groups gnomAD compares: Admixed American, 0.0017%; no homozygotes.

Submission:

Labcorp Genetics (formerly Invitae), Labcorp
Classification: Uncertain significance. Last evaluated: 2021-12-02. Review status: criteria provided, single submitter. Criteria: Invitae Variant Classification Sherloc (09022015). Collection method: clinical testing. Allele origin: germline.
Comment: This sequence change replaces arginine, which is basic and polar, with histidine, which is basic and polar, at codon 79 of the LAMA1 protein (p.Arg79His). This variant is present in population databases (no rsID available, gnomAD 0.003%). This variant has not been reported in the literature in individuals affected with LAMA1-related conditions. Algorithms developed to predict the effect of missense changes on protein structure and function output the following: SIFT: "Deleterious"; PolyPhen-2: "Benign"; Align-GVGD: "Class C0". The histidine amino acid residue is found in multiple mammalian species, which suggests that this missense change does not adversely affect protein function. In summary, the available evidence is currently insufficient to determine the role of this variant in disease. Therefore, it has been classified as a Variant of Uncertain Significance.